The following is an entry in ClinVar:

NM_004974.4(KCNA2):c.74C>T (p.Pro25Leu)

Gene: KCNA2 (potassium voltage-gated channel subfamily A member 2; minus strand). Cytogenetic location: 1p13.3.
Variant type: single nucleotide variant.
Coding change: c.74C>T on transcript NM_004974.4 (MANE Select); coding-DNA position 74, C replaced by T.
Protein change: p.Pro25Leu; replaces proline 25 with leucine.
Molecular consequence: missense variant.
Genome position (GRCh38, 1-based): chr1:110,604,709, G>A on the plus strand (C>T on the coding strand, the complement: KCNA2 is on the minus strand). VCF-style: chr1-110604709-G-A. GRCh37 (hg19) VCF-style: chr1-111147331-G-A.
Other names: c.74C>T, p.Pro25Leu (NM_001204269.2); short protein forms P25L.
Identifiers: ClinVar variation 2849954 (VCV002849954.3), dbSNP rs2524623689, ClinGen allele CA341607133.

ClinVar aggregate classification (germline): Uncertain significance (1 of 4 stars; one submission).

Conditions:
Developmental and epileptic encephalopathy, 32 (DEE32). Also called: Epileptic encephalopathy, early infantile, 32. Identifiers: Orphanet 442835, MedGen C4225350, MONDO:0014607, OMIM 616366.

Submission:

Labcorp Genetics (formerly Invitae), Labcorp
Classification: Uncertain significance for Developmental and epileptic encephalopathy, 32. Last evaluated: 2023-03-27. Review status: criteria provided, single submitter. Criteria: Invitae Variant Classification Sherloc (09022015). Collection method: clinical testing. Allele origin: germline.
Comment: This sequence change replaces proline, which is neutral and non-polar, with leucine, which is neutral and non-polar, at codon 25 of the KCNA2 protein (p.Pro25Leu). This variant is not present in population databases (gnomAD no frequency). This variant has not been reported in the literature in individuals affected with KCNA2-related conditions. Advanced modeling of protein sequence and biophysical properties (such as structural, functional, and spatial information, amino acid conservation, physicochemical variation, residue mobility, and thermodynamic stability) performed at Invitae indicates that this missense variant is not expected to disrupt KCNA2 protein function. In summary, the available evidence is currently insufficient to determine the role of this variant in disease. Therefore, it has been classified as a Variant of Uncertain Significance.